The following is an entry in ClinVar:

NM_007289.4(MME):c.697G>T (p.Glu233Ter)

Gene: MME (membrane metalloendopeptidase; plus strand). Cytogenetic location: 3q25.2.
Variant type: single nucleotide variant.
Coding change: c.697G>T on transcript NM_007289.4 (MANE Select); coding-DNA position 697, G replaced by T.
Protein change: p.Glu233Ter; replaces glutamic acid 233 with a stop codon.
Molecular consequence: nonsense.
Genome position (GRCh38, 1-based): chr3:155,118,788, G>T. VCF-style: chr3-155118788-G-T. GRCh37 (hg19) VCF-style: chr3-154836577-G-T.
Other names: c.697G>T, p.Glu233Ter (NM_000902.5, NM_001354642.2, NM_001354643.1 and 2 more transcripts); short protein forms E233*.
Identifiers: ClinVar variation 3673604 (VCV003673604.2).
Genomic context (GRCh38, chr3:155,118,788, plus strand): 5'-TATGTATATTTTTTATAGATTGACCAACCTCGACTTGGCCTCCCTTCTAGAGATTACTAT[G>T]AATGCACTGGAATCTATAAAGAGGTAAAAAGAAAAAAAATAATCAAAACCAAACTACAAA-3'

ClinVar aggregate classification (germline): Pathogenic (1 of 4 stars; one submission).

Submission:

Labcorp Genetics (formerly Invitae), Labcorp
Classification: Pathogenic. Last evaluated: 2025-01-23. Review status: criteria provided, single submitter. Criteria: Invitae Variant Classification Sherloc (09022015). Collection method: clinical testing. Allele origin: germline.
Comment: This sequence change creates a premature translational stop signal (p.Glu233*) in the MME gene. It is expected to result in an absent or disrupted protein product. Loss-of-function variants in MME are known to be pathogenic (PMID: 26991897). This variant is not present in population databases (gnomAD no frequency). This variant has not been reported in the literature in individuals affected with MME-related conditions. For these reasons, this variant has been classified as Pathogenic.

Literature cited by the submitters: PubMed 26991897.